The following is an entry in ClinVar:

ClinVar aggregate classification (germline): Uncertain significance (1 of 4 stars; one submission).

Conditions:
Megacystis-microcolon-intestinal hypoperistalsis syndrome 2. Identifiers: MedGen C5543476, MONDO:0025708, OMIM 619351.

Submission:

New York Genome Center
Classification: Uncertain significance for Megacystis-microcolon-intestinal hypoperistalsis syndrome 2. Last evaluated: 2023-03-24. Review status: criteria provided, single submitter. Criteria: NYGC Assertion Criteria 2020. Collection method: clinical testing. Allele origin: inherited. Observed: 1 homozygote. Study: PrenatalSEQ.
Comment: The homozygous c.791-6A>G (NM_002474.3) variant identified in the MYH11 gene is at the -6 position in the splice acceptor region within intron 7/41 when annotated from MANE Select transcript NM_002474.3. This variant is referred to as c.812-6A>G (intron 8/42) when annotated from MANE Select+Clinical transcript NM_001040113. This variant is absent from population databases (gnomADv2.1.1, gnomADv3.1.2, BRAVO-TOPMed, All of Us) suggesting it is not a common benign variant in the populations represented in those databases. Two of three in silico splicing algorithms predict a likely affect to splicing (SpliceAI delta score=0.68, acceptor gain -1bp and varSEAK=class 5) and one splicing algorithm predicts this variant to not likely affect splicing (TrAP score=0.15; 75-90% score-percentile). This variant is absent from ClinVar and to our current knowledge has not been reported in affected individuals in the literature. Given the lack of compelling evidence for its pathogenicity, the homozygous c.791-6A>G (NM_002474.3) variant identified in the MYH11 gene is reported as a Variant of Uncertain Significance.

NM_002474.3(MYH11):c.791-6A>G

Gene: MYH11 (myosin heavy chain 11; minus strand). Cytogenetic location: 16p13.11.
Variant type: single nucleotide variant.
Coding change: c.791-6A>G on transcript NM_002474.3 (MANE Select); 6 bases into the intron before coding-DNA position 791, A replaced by G.
Molecular consequence: intron variant.
Genome position (GRCh38, 1-based): chr16:15,776,182, T>C on the plus strand (A>G on the coding strand, the complement: MYH11 is on the minus strand). VCF-style: chr16-15776182-T-C. GRCh37 (hg19) VCF-style: chr16-15870039-T-C.
Other names: c.791-6A>G (NM_022844.3); c.812-6A>G (NM_001040114.2, NM_001040113.2).
Identifiers: ClinVar variation 3235902 (VCV003235902.1), dbSNP rs1264372928, ClinGen allele CA2825002402.
Genomic context (GRCh38, chr16:15,776,182, plus strand): 5'-TGGAATGTCCTCTCGTCTCTGGCTTGGCGAATTGCCCGTGATTTTTCTAGCAGATCTGGT[T>C]TGGAGGGAGTTAGGGATTCTGGGGATACTGCGGGTGTTCCTCTGGTCTTCCACCTCCATC-3'